The following is an entry in ClinVar:

ClinVar aggregate classification (germline): Uncertain significance. Review status: criteria provided, multiple submitters, no conflicts (2 of 4 stars). 2 submissions from 2 submitters: Uncertain significance (2). Last evaluated 2024-10-15.

Conditions:
Familial hemophagocytic lymphohistiocytosis 2 (FHL2). Also called: PRF1-Related Familial Hemophagocytic Lymphohistiocytosis (PRF1-fHLH). Identifiers: Orphanet 540, MedGen C1863727, MONDO:0011337, OMIM 603553.

Allele frequency attached by ClinVar (database versions not stated): ExAC 0.00001; TOPMed 0.00002.
gnomAD v4.1: 5 of 1,614,216 alleles (0.00031%); highest among the groups gnomAD compares: Admixed American, 0.0033%; no homozygotes.

Submissions (2):

Labcorp Genetics (formerly Invitae), Labcorp
Classification: Uncertain significance for Familial hemophagocytic lymphohistiocytosis 2. Last evaluated: 2024-10-15. Review status: criteria provided, single submitter. Criteria: Invitae Variant Classification Sherloc (09022015). Collection method: clinical testing. Allele origin: germline.
Comment: This sequence change replaces arginine, which is basic and polar, with tryptophan, which is neutral and slightly polar, at codon 297 of the PRF1 protein (p.Arg297Trp). This variant is present in population databases (rs755578676, gnomAD 0.003%). This missense change has been observed in individual(s) with lymphoproliferative disease (PMID: 34170459). ClinVar contains an entry for this variant (Variation ID: 2413998). Invitae Evidence Modeling of protein sequence and biophysical properties (such as structural, functional, and spatial information, amino acid conservation, physicochemical variation, residue mobility, and thermodynamic stability) indicates that this missense variant is expected to disrupt PRF1 protein function with a positive predictive value of 95%. In summary, the available evidence is currently insufficient to determine the role of this variant in disease. Therefore, it has been classified as a Variant of Uncertain Significance.

Blueprint Genetics
Classification: Uncertain significance. Last evaluated: 2018-09-26. Review status: criteria provided, single submitter. Criteria: ACMG Guidelines, 2015. Collection method: clinical testing. Allele origin: germline.

Literature cited by the submitters: PubMed 34170459 (cited by Labcorp Genetics (formerly Invitae), Labcorp).

NM_001083116.3(PRF1):c.889C>T (p.Arg297Trp)

Gene: PRF1 (perforin 1; minus strand). Cytogenetic location: 10q22.1.
Variant type: single nucleotide variant.
Coding change: c.889C>T on transcript NM_001083116.3 (MANE Select); coding-DNA position 889, C replaced by T.
Protein change: p.Arg297Trp; replaces arginine 297 with tryptophan.
Molecular consequence: missense variant.
Genome position (GRCh38, 1-based): chr10:70,598,832, G>A on the plus strand (C>T on the coding strand, the complement: PRF1 is on the minus strand). VCF-style: chr10-70598832-G-A. GRCh37 (hg19) VCF-style: chr10-72358588-G-A.
Other names: c.889C>T, p.Arg297Trp (NM_005041.6); short protein forms R297W.
Identifiers: ClinVar variation 2413998 (VCV002413998.5), dbSNP rs755578676, ClinGen allele CA5538893.